The following is an entry in ClinVar:

ClinVar aggregate classification (germline): Pathogenic (1 of 4 stars; one submission).

Conditions:
Inborn genetic diseases. Identifiers: MedGen C0950123, MeSH D030342.

Submission:

Ambry Genetics
Classification: Pathogenic for Inborn genetic diseases. Last evaluated: 2026-01-12. Review status: criteria provided, single submitter. Criteria: Ambry Variant Classification Scheme 2023. Collection method: clinical testing. Allele origin: germline.
Comment: The c.330dupA (p.Q111Tfs*37) alteration, located in exon 1 (coding exon 1) of the CHD8 gene, consists of a duplication of A at position 330, causing a translational frameshift with a predicted alternate stop codon after 37 amino acids. This alteration is expected to result in loss of function by premature protein truncation or nonsense-mediated mRNA decay. This variant was not reported in population-based cohorts in the Genome Aggregation Database (gnomAD). Based on the available evidence, this alteration is classified as pathogenic.

NM_001170629.2(CHD8):c.330dup (p.Gln111fs)

Gene: CHD8 (chromodomain helicase DNA binding protein 8; minus strand). Cytogenetic location: 14q11.2.
Variant type: Duplication.
Coding change: c.330dup on transcript NM_001170629.2 (MANE Select); coding-DNA position 330, one base duplicated (A; older notation c.330dupA).
Protein change: p.Gln111fs; shifts the reading frame from glutamine 111.
Molecular consequence: frameshift variant. On other transcripts: intron variant (1).
Genome position (GRCh38, 1-based): chr14:21,431,314, T duplicated on the plus strand (A on the coding strand, the reverse complement: CHD8 is on the minus strand). VCF-style (leftmost placement, unchanged base first): chr14-21431313-G-GT. GRCh37 (hg19) VCF-style: chr14-21899472-G-GT.
Other names: c.6+497dup (NM_020920.4); short protein forms Q111fs.
Identifiers: ClinVar variation 4838570 (VCV004838570.1).